The following is an entry in ClinVar:

ClinVar aggregate classification (germline): Likely pathogenic (1 of 4 stars; one submission).

Conditions:
Alport syndrome. Also called: Hemorrhagic familial nephritis; Hemorrhagic hereditary nephritis; Congenital hereditary hematuria. Identifiers: Orphanet 63, MedGen C1567741, MONDO:0018965.

Submission:

Natera, Inc.
Classification: Likely pathogenic for Alport syndrome. Last evaluated: 2025-09-04. Review status: criteria provided, single submitter. Criteria: Natera Variant Classification Schema (03/2026). Collection method: clinical testing. Allele origin: germline.
Comment: The c.2261G>A variant in COL4A4 is a missense variant predicted to cause substitution of glycine to aspartic acid at amino acid 754. This variant is rare in the general population with a frequency below the threshold expected for the associated phenotype(s). This variant is located in a functionally critical region of the protein. Computational prediction algorithms indicate this variant is likely to affect gene or protein function. Given the available evidence, this variant is classified as Likely Pathogenic.

NM_000092.5(COL4A4):c.2261G>A (p.Gly754Asp)

Gene: COL4A4 (collagen type IV alpha 4 chain; minus strand). Cytogenetic location: 2q36.3.
Variant type: single nucleotide variant.
Coding change: c.2261G>A on transcript NM_000092.5 (MANE Select); coding-DNA position 2261, G replaced by A.
Protein change: p.Gly754Asp; replaces glycine 754 with aspartic acid.
Molecular consequence: missense variant.
Genome position (GRCh38, 1-based): chr2:227,059,527, C>T on the plus strand (G>A on the coding strand, the complement: COL4A4 is on the minus strand). VCF-style: chr2-227059527-C-T. GRCh37 (hg19) VCF-style: chr2-227924243-C-T.
Other names: short protein forms G754D.
Identifiers: ClinVar variation 4817305 (VCV004817305.1).